The following is an entry in ClinVar:

NM_001367624.2(ZNF469):c.3383A>T (p.Gln1128Leu)

Gene: ZNF469 (zinc finger protein 469; plus strand). Cytogenetic location: 16q24.2.
Variant type: single nucleotide variant.
Coding change: c.3383A>T on transcript NM_001367624.2 (MANE Select); coding-DNA position 3383, A replaced by T.
Protein change: p.Gln1128Leu; replaces glutamine 1128 with leucine.
Molecular consequence: missense variant.
Genome position (GRCh38, 1-based): chr16:88,430,853, A>T. VCF-style: chr16-88430853-A-T. GRCh37 (hg19) VCF-style: chr16-88497261-A-T.
Other names: NM_001127464.2:c.3299A>T; short protein forms Q1128L.
Identifiers: ClinVar variation 4989720 (VCV004989720.1).

ClinVar aggregate classification (germline): Uncertain significance (1 of 4 stars; one submission).

Conditions:
ZNF469-related disorder. Also called: ZNF469-related condition.

gnomAD v4.1: 1 of 1,536,444 alleles (0.000065%); highest among the groups gnomAD compares: South Asian, 0.0012%; no homozygotes.

Submission:

PreventionGenetics, part of Exact Sciences
Classification: Uncertain significance for ZNF469-related condition. Last evaluated: 2025-01-27. Review status: criteria provided, single submitter. Criteria: ACMG Guidelines, 2015. Collection method: clinical testing. Allele origin: germline.
Comment: The ZNF469 c.3299A>T variant is predicted to result in the amino acid substitution p.Gln1100Leu. To our knowledge, this variant has not been reported in the literature. This variant is reported in 0.0044% of alleles in individuals of South Asian descent in gnomAD. At this time, the clinical significance of this variant is uncertain due to the absence of conclusive functional and genetic evidence.